The following is an entry in ClinVar:

NM_014991.6(WDFY3):c.6984A>T (p.Glu2328Asp)

Gene: WDFY3 (WD repeat and FYVE domain containing 3; minus strand). Cytogenetic location: 4q21.23.
Variant type: single nucleotide variant.
Coding change: c.6984A>T on transcript NM_014991.6 (MANE Select); coding-DNA position 6984, A replaced by T.
Protein change: p.Glu2328Asp; replaces glutamic acid 2328 with aspartic acid.
Molecular consequence: missense variant.
Genome position (GRCh38, 1-based): chr4:84,735,052, T>A on the plus strand (A>T on the coding strand, the complement: WDFY3 is on the minus strand). VCF-style: chr4-84735052-T-A. GRCh37 (hg19) VCF-style: chr4-85656205-T-A.
Other names: short protein forms E2328D.
Identifiers: ClinVar variation 3371161 (VCV003371161.1).

ClinVar aggregate classification (germline): Uncertain significance (1 of 4 stars; one submission).

Submission:

GeneDx
Classification: Uncertain significance. Last evaluated: 2024-03-18. Review status: criteria provided, single submitter. Criteria: GeneDx Variant Classification Process June 2021. Collection method: clinical testing. Allele origin: germline. Affected: yes.
Comment: Not observed at significant frequency in large population cohorts (gnomAD); In silico analysis supports that this missense variant does not alter protein structure/function; Has not been previously published as pathogenic or benign to our knowledge